The following is an entry in ClinVar:

ClinVar aggregate classification (germline): Benign/Likely benign. Review status: criteria provided, multiple submitters, no conflicts (2 of 4 stars). 2 submissions from 2 submitters: Benign (1); Likely benign (1). Last evaluated 2025-06-22.

Conditions:
Familial adenomatous polyposis 1 (FAP1). Also called: POLYPOSIS, ADENOMATOUS INTESTINAL; FAMILIAL ADENOMATOUS POLYPOSIS 1, ATTENUATED. Identifiers: MedGen C2713442, MONDO:0021056, OMIM 175100. Disease mechanism: loss of function.

Allele frequency attached by ClinVar (database versions not stated): gnomAD exomes below 0.00001.
gnomAD v4.1: 1 of 1,613,718 alleles (0.000062%); highest among the groups gnomAD compares: Non-Finnish European, 0.000085%; no homozygotes.

Submissions (2):

Labcorp Genetics (formerly Invitae), Labcorp
Classification: Likely benign for Familial adenomatous polyposis 1. Last evaluated: 2025-06-22. Review status: criteria provided, single submitter. Criteria: Invitae Variant Classification Sherloc (09022015). Collection method: clinical testing. Allele origin: germline.

Myriad Genetics, Inc.
Classification: Benign for Familial adenomatous polyposis 1. Last evaluated: 2024-03-06. Review status: criteria provided, single submitter. Criteria: Myriad Autosomal Dominant, Autosomal Recessive and X-Linked Classification Criteria (2023). Collection method: clinical testing. Allele origin: unknown.
Comment: This variant is considered benign. This variant is a silent/synonymous amino acid change and it is not expected to impact splicing.

NM_000038.6(APC):c.1653G>A (p.Leu551=)

Gene: APC (APC regulator of Wnt signaling pathway; plus strand). Cytogenetic location: 5q22.2.
Variant type: single nucleotide variant.
Coding change: c.1653G>A on transcript NM_000038.6 (MANE Select); coding-DNA position 1653, G replaced by A.
Protein change: p.Leu551=; no amino-acid change (leucine 551 retained).
Molecular consequence: synonymous variant.
Genome position (GRCh38, 1-based): chr5:112,828,882, G>A. VCF-style: chr5-112828882-G-A. GRCh37 (hg19) VCF-style: chr5-112164579-G-A.
Other names: c.1653G>A, p.Leu551= (NM_001127510.3, NM_001354895.2, NM_001407450.1); c.1599G>A, p.Leu533= (NM_001127511.3); c.1707G>A, p.Leu569= (NM_001354896.2, NM_001407447.1, NM_001407448.1 and 1 more transcripts); c.1683G>A, p.Leu561= (NM_001354897.2); c.1578G>A, p.Leu526= (NM_001354898.2); c.1569G>A, p.Leu523= (NM_001354899.2); c.1530G>A, p.Leu510= (NM_001354900.2); c.1476G>A, p.Leu492= (NM_001354901.2, NM_001407453.1); and 11 more.
Identifiers: ClinVar variation 2087948 (VCV002087948.5), dbSNP rs2149817137, ClinGen allele CA445757385.